The following is an entry in ClinVar:

ClinVar aggregate classification (germline): Uncertain significance (1 of 4 stars; one submission).

Conditions:
DISC1-related disorder. Also called: DISC1-related condition.

Submission:

PreventionGenetics, part of Exact Sciences
Classification: Uncertain significance for DISC1-related condition. Last evaluated: 2023-09-19. Review status: criteria provided, single submitter. Criteria: ACMG Guidelines, 2015. Collection method: clinical testing. Allele origin: germline.
Comment: The DISC1 c.2319C>T variant is not predicted to result in an amino acid change (p.=). This variant is predicted to strengthen a cryptic splice acceptor site, although such predictions are not equivalent to functional evidence. To our knowledge, this variant has not been reported in the literature or in a large population database, indicating this variant is rare. At this time, the clinical significance of this variant is uncertain due to the absence of conclusive functional and genetic evidence.

NM_018662.3(DISC1):c.2319C>T (p.Ile773=)

Genes: DISC1 (DISC1 scaffold protein; plus strand), TSNAX-DISC1 (TSNAX-DISC1 readthrough (NMD candidate); plus strand). Cytogenetic location: 1q42.2.
Variant type: single nucleotide variant.
Coding change: c.2319C>T on transcript NM_018662.3 (MANE Select); coding-DNA position 2319, C replaced by T.
Protein change: p.Ile773=; no amino-acid change (isoleucine 773 retained).
Molecular consequence: synonymous variant. On other transcripts: non-coding transcript variant (1).
Genome position (GRCh38, 1-based): chr1:232,026,446, C>T. VCF-style: chr1-232026446-C-T. GRCh37 (hg19) VCF-style: chr1-232162192-C-T.
Other names: c.2253C>T, p.Ile751= (NM_001012957.2); c.2415C>T, p.Ile805= (NM_001164537.2); c.1953C>T, p.Ile651= (NM_001164540.2).
Identifiers: ClinVar variation 2630837 (VCV002630837.1), dbSNP rs773951758, ClinGen allele CA423955909.